The following is an entry in ClinVar:

ClinVar aggregate classification (germline): Uncertain significance (0 of 4 stars; one submission).

Conditions:
PRF1-related disorder. Also called: PRF1-related condition.

Allele frequency attached by ClinVar (database versions not stated): ExAC 0.00001; gnomAD exomes 0.00001; gnomAD 0.00004; TOPMed 0.00007; ESP Exome Variant Server 0.00008.
gnomAD v4.1: 19 of 1,614,136 alleles (0.0012%); highest among the groups gnomAD compares: Admixed American, 0.01%; no homozygotes.

Submission:

PreventionGenetics, part of Exact Sciences
Classification: Uncertain significance for PRF1-related condition. Last evaluated: 2023-12-28. Review status: no assertion criteria provided. Collection method: clinical testing. Allele origin: germline.
Comment: The PRF1 c.790G>A variant is predicted to result in the amino acid substitution p.Val264Ile. To our knowledge, this variant has not been reported in the literature. This variant is reported in 0.012% of alleles in individuals of African descent in gnomAD. At this time, the clinical significance of this variant is uncertain due to the absence of conclusive functional and genetic evidence.

NM_001083116.3(PRF1):c.790G>A (p.Val264Ile)

Gene: PRF1 (perforin 1; minus strand). Cytogenetic location: 10q22.1.
Variant type: single nucleotide variant.
Coding change: c.790G>A on transcript NM_001083116.3 (MANE Select); coding-DNA position 790, G replaced by A.
Protein change: p.Val264Ile; replaces valine 264 with isoleucine.
Molecular consequence: missense variant.
Genome position (GRCh38, 1-based): chr10:70,598,931, C>T on the plus strand (G>A on the coding strand, the complement: PRF1 is on the minus strand). VCF-style: chr10-70598931-C-T. GRCh37 (hg19) VCF-style: chr10-72358687-C-T.
Other names: c.790G>A, p.Val264Ile (NM_005041.6); short protein forms V264I.
Identifiers: ClinVar variation 3029975 (VCV003029975.2), dbSNP rs140218388, ClinGen allele CA5538915.
Genomic context (GRCh38, chr10:70,598,931, plus strand): 5'-TCTTCTTCTCCTCACAGGCCTTGGCTTCGGCAGAGATGCTGCCGTGGATGCCTATGTTGA[C>T]CTGGGCCTCGACAGTCAGGCAGTCCTCCACCTCGTTGTCCGTGAGCCCTTCCAGGGCCAG-3'
Protein context (NP_001076585.1, residues 254-274): VEDCLTVEAQ[Val264Ile]NIGIHGSISA